The following is an entry in ClinVar:

ClinVar aggregate classification (germline): Uncertain significance. Review status: criteria provided, multiple submitters, no conflicts (2 of 4 stars). 6 submissions from 5 submitters: Uncertain significance (6). Last evaluated 2025-07-15.

Conditions:
Usher syndrome type 2A. Also called: USHER SYNDROME, TYPE IIA; RETINAL DISEASE IN USHER SYNDROME TYPE IIA, MODIFIER OF. Identifiers: Orphanet 231178, Orphanet 886, MedGen C1848634, MONDO:0010169, OMIM 276901.
Inborn genetic diseases. Identifiers: MedGen C0950123, MeSH D030342.
Retinitis pigmentosa 39 (RP39). Identifiers: Orphanet 791, MedGen C3151138, MONDO:0013436, OMIM 613809.

Allele frequency attached by ClinVar (database versions not stated): gnomAD 0.00001; gnomAD exomes 0.00001 and 0.00002; ExAC 0.00002; TOPMed 0.00002.
gnomAD v4.1: 12 of 1,613,786 alleles (0.00074%); highest among the groups gnomAD compares: Admixed American, 0.01%; no homozygotes.

Submissions (6):

Ambry Genetics
Classification: Uncertain significance for Inborn genetic diseases. Last evaluated: 2025-07-15. Review status: criteria provided, single submitter. Criteria: Ambry Variant Classification Scheme 2023. Collection method: clinical testing. Allele origin: germline.

GeneDx
Classification: Uncertain significance. Last evaluated: 2024-10-07. Review status: criteria provided, single submitter. Criteria: GeneDx Variant Classification Process June 2021. Collection method: clinical testing. Allele origin: germline. Affected: yes.
Comment: In silico analysis indicates that this missense variant does not alter protein structure/function; Has not been previously published as pathogenic or benign to our knowledge

Genome-Nilou Lab
Classification: Uncertain significance for Retinitis pigmentosa 39. Last evaluated: 2023-11-04. Review status: criteria provided, single submitter. Criteria: ACMG Guidelines, 2015. Collection method: clinical testing. Allele origin: germline. Affected: no.

Genome-Nilou Lab
Classification: Uncertain significance for Usher syndrome type 2A. Last evaluated: 2023-11-04. Review status: criteria provided, single submitter. Criteria: ACMG Guidelines, 2015. Collection method: clinical testing. Allele origin: germline. Affected: no.

Labcorp Genetics (formerly Invitae), Labcorp
Classification: Uncertain significance. Last evaluated: 2022-07-19. Review status: criteria provided, single submitter. Criteria: Invitae Variant Classification Sherloc (09022015). Collection method: clinical testing. Allele origin: germline.
Comment: This sequence change replaces threonine, which is neutral and polar, with alanine, which is neutral and non-polar, at codon 3219 of the USH2A protein (p.Thr3219Ala). This variant is present in population databases (rs776395355, gnomAD 0.01%). This variant has not been reported in the literature in individuals affected with USH2A-related conditions. ClinVar contains an entry for this variant (Variation ID: 1343770). Algorithms developed to predict the effect of missense changes on protein structure and function (SIFT, PolyPhen-2, Align-GVGD) all suggest that this variant is likely to be tolerated. In summary, the available evidence is currently insufficient to determine the role of this variant in disease. Therefore, it has been classified as a Variant of Uncertain Significance.

Women's Health and Genetics/Laboratory Corporation of America, LabCorp
Classification: Uncertain significance. Last evaluated: 2022-02-17. Review status: criteria provided, single submitter. Criteria: LabCorp Variant Classification Summary - May 2015. Collection method: clinical testing. Allele origin: germline.

NM_206933.4(USH2A):c.9655A>G (p.Thr3219Ala)

Gene: USH2A (usherin; minus strand). Cytogenetic location: 1q41.
Variant type: single nucleotide variant.
Coding change: c.9655A>G on transcript NM_206933.4 (MANE Select); coding-DNA position 9655, A replaced by G.
Protein change: p.Thr3219Ala; replaces threonine 3219 with alanine.
Molecular consequence: missense variant.
Genome position (GRCh38, 1-based): chr1:215,813,820, T>C on the plus strand (A>G on the coding strand, the complement: USH2A is on the minus strand). VCF-style: chr1-215813820-T-C. GRCh37 (hg19) VCF-style: chr1-215987162-T-C.
Other names: short protein forms T3219A.
Identifiers: ClinVar variation 1343770 (VCV001343770.5), dbSNP rs776395355, ClinGen allele CA1394246.